The following is an entry in ClinVar:

ClinVar aggregate classification (germline): Uncertain significance (1 of 4 stars; one submission).

Conditions:
Familial cancer of breast. Also called: Hereditary breast cancer; hereditary breast carcinoma; BREAST CANCER, FAMILIAL. Identifiers: Orphanet 227535, MedGen C0346153, MONDO:0016419, OMIM 114480. Disease mechanism: loss of function.

Submission:

Labcorp Genetics (formerly Invitae), Labcorp
Classification: Uncertain significance for Familial cancer of breast. Last evaluated: 2019-06-16. Review status: criteria provided, single submitter. Criteria: Invitae Variant Classification Sherloc (09022015). Collection method: clinical testing. Allele origin: germline.
Comment: This variant is not present in population databases (ExAC no frequency). This variant has not been reported in the literature in individuals with BARD1-related conditions. This variant has been reported to affect BARD1 protein function (PMID: 26350354). This sequence change replaces tryptophan with arginine at codon 34 of the BARD1 protein (p.Trp34Arg). The tryptophan residue is highly conserved and there is a moderate physicochemical difference between tryptophan and arginine. Algorithms developed to predict the effect of sequence changes on RNA splicing suggest that this variant may create or strengthen a splice site, but this prediction has not been confirmed by published transcriptional studies. In summary, the available evidence is currently insufficient to determine the role of this variant in disease. Therefore, it has been classified as a Variant of Uncertain Significance.

Literature cited by the submitters: PubMed 26350354.

NM_000465.4(BARD1):c.100T>A (p.Trp34Arg)

Gene: BARD1 (BRCA1 associated RING domain 1; minus strand). Cytogenetic location: 2q35.
Variant type: single nucleotide variant.
Coding change: c.100T>A on transcript NM_000465.4 (MANE Select); coding-DNA position 100, T replaced by A.
Protein change: p.Trp34Arg; replaces tryptophan 34 with arginine.
Molecular consequence: missense variant. On other transcripts: non-coding transcript variant (3).
Genome position (GRCh38, 1-based): chr2:214,809,470, A>T on the plus strand (T>A on the coding strand, the complement: BARD1 is on the minus strand). VCF-style: chr2-214809470-A-T. GRCh37 (hg19) VCF-style: chr2-215674194-A-T.
Other names: c.100T>A, p.Trp34Arg (NM_001282543.2, NM_001282545.2, NM_001282548.2 and 1 more transcripts); short protein forms W34R.
Identifiers: ClinVar variation 949212 (VCV000949212.10), dbSNP rs955904953, ClinGen allele CA350465035.